The following is an entry in ClinVar:

ClinVar aggregate classification (germline): Uncertain significance (1 of 4 stars; one submission).

Conditions:
Heterotopia, periventricular, X-linked dominant (PVNH1). Also called: PERIVENTRICULAR NODULAR HETEROTOPIA 4; HETEROTOPIA, PERIVENTRICULAR, 1; PERIVENTRICULAR NODULAR HETEROTOPIA 1; X-linked periventricular heterotopia. Identifiers: Orphanet 2149, Orphanet 82004, MedGen C1848213, MONDO:0010233, OMIM 300049.
Oto-palato-digital syndrome, type II (OPD2). Also called: Otopalatodigital Syndrome, Type II; FACIOPALATOOSSEOUS SYNDROME; OPD II SYNDROME; Otopalatodigital Syndrome Type 2 (FLNA-OPD2). Identifiers: Orphanet 669, Orphanet 90652, MedGen C1844696, MONDO:0010571, OMIM 304120.
Melnick-Needles syndrome (MNS). Also called: MELNICK-NEEDLES OSTEODYSPLASTY; OSTEODYSPLASTY OF MELNICK AND NEEDLES; Melnick-Needles Syndrome (FLNA-MNS). Identifiers: Orphanet 2484, MedGen C0025237, MONDO:0010650, OMIM 309350.
Frontometaphyseal dysplasia (FMD1). Identifiers: Orphanet 1826, MedGen C0265293, MONDO:0015942.

Submission:

Labcorp Genetics (formerly Invitae), Labcorp
Classification: Uncertain significance for Oto-palato-digital syndrome, type II; Heterotopia, periventricular, X-linked dominant; Frontometaphyseal dysplasia; Melnick-Needles syndrome. Last evaluated: 2025-04-13. Review status: criteria provided, single submitter. Criteria: Invitae Variant Classification Sherloc (09022015). Collection method: clinical testing. Allele origin: germline.
Comment: This sequence change replaces glutamic acid, which is acidic and polar, with glutamine, which is neutral and polar, at codon 157 of the FLNA protein (p.Glu157Gln). This variant is not present in population databases (gnomAD no frequency). This variant has not been reported in the literature in individuals affected with FLNA-related conditions. Invitae Evidence Modeling of protein sequence and biophysical properties (such as structural, functional, and spatial information, amino acid conservation, physicochemical variation, residue mobility, and thermodynamic stability) indicates that this missense variant is not expected to disrupt FLNA protein function with a negative predictive value of 95%. In summary, the available evidence is currently insufficient to determine the role of this variant in disease. Therefore, it has been classified as a Variant of Uncertain Significance.

NM_001110556.2(FLNA):c.469G>C (p.Glu157Gln)

Gene: FLNA (filamin A; minus strand). Cytogenetic location: Xq28.
Variant type: single nucleotide variant.
Coding change: c.469G>C on transcript NM_001110556.2 (MANE Select); coding-DNA position 469, G replaced by C.
Protein change: p.Glu157Gln; replaces glutamic acid 157 with glutamine.
Molecular consequence: missense variant.
Genome position (GRCh38, 1-based): chrX:154,367,995, C>G on the plus strand (G>C on the coding strand, the complement: FLNA is on the minus strand). VCF-style: chrX-154367995-C-G. GRCh37 (hg19) VCF-style: chrX-153596363-C-G.
Other names: c.469G>C, p.Glu157Gln (NM_001456.4); short protein forms E157Q.
Identifiers: ClinVar variation 4789606 (VCV004789606.1).